The following is an entry in ClinVar:

ClinVar aggregate classification (germline): Uncertain significance (1 of 4 stars; one submission).

Submission:

Labcorp Genetics (formerly Invitae), Labcorp
Classification: Uncertain significance. Last evaluated: 2023-01-25. Review status: criteria provided, single submitter. Criteria: Invitae Variant Classification Sherloc (09022015). Collection method: clinical testing. Allele origin: germline.
Comment: This sequence change replaces methionine, which is neutral and non-polar, with isoleucine, which is neutral and non-polar, at codon 641 of the JAK1 protein (p.Met641Ile). This variant is not present in population databases (gnomAD no frequency). This variant has not been reported in the literature in individuals affected with JAK1-related conditions. Advanced modeling of protein sequence and biophysical properties (such as structural, functional, and spatial information, amino acid conservation, physicochemical variation, residue mobility, and thermodynamic stability) performed at Invitae indicates that this missense variant is not expected to disrupt JAK1 protein function. In summary, the available evidence is currently insufficient to determine the role of this variant in disease. Therefore, it has been classified as a Variant of Uncertain Significance.

NM_002227.4(JAK1):c.1923G>A (p.Met641Ile)

Genes: JAK1 (Janus kinase 1; minus strand), LOC126805749 (BRD4-independent group 4 enhancer GRCh37_chr1:65312286-65313485; plus strand). Cytogenetic location: 1p31.3.
Variant type: single nucleotide variant.
Coding change: c.1923G>A on transcript NM_002227.4 (MANE Select); coding-DNA position 1923, G replaced by A.
Protein change: p.Met641Ile; replaces methionine 641 with isoleucine.
Molecular consequence: missense variant.
Genome position (GRCh38, 1-based): chr1:64,846,713, C>T on the plus strand (G>A on the coding strand, the complement: JAK1 is on the minus strand). VCF-style: chr1-64846713-C-T. GRCh37 (hg19) VCF-style: chr1-65312396-C-T.
Other names: c.1923G>A, p.Met641Ile (NM_001320923.2, NM_001321852.2, NM_001321853.2 and 3 more transcripts); c.1920G>A, p.Met640Ile (NM_001321857.2); short protein forms M640I, M641I.
Identifiers: ClinVar variation 2831912 (VCV002831912.3), dbSNP rs2101009251, ClinGen allele CA340667914.
Genomic context (GRCh38, chr1:64,846,713, plus strand): 5'-CACGTCGCGGACACAGACGCCATAGAGGTACACGATGTGTTTGTGGGAGACCTGTCTCAT[C>T]ATGCTGGCTGCCTCGAAGAAGGCCTGTGGGCGAGCAGGACATAGGAATGTCTCAGGCCAG-3'
Protein context (NP_002218.2, residues 631-651): ISLAFFEAAS[Met641Ile]MRQVSHKHIV